The following is an entry in ClinVar:

ClinVar aggregate classification (germline): Uncertain significance. Review status: criteria provided, multiple submitters, no conflicts (2 of 4 stars). 3 submissions from 3 submitters: Uncertain significance (3). Last evaluated 2022-08-22.

Conditions:
Osteogenesis imperfecta type 11. Also called: OI, TYPE XI; Osteogenesis imperfecta, type XI. Identifiers: Orphanet 666, MedGen C3151218, MONDO:0012592, OMIM 610968.

Allele frequency attached by ClinVar (database versions not stated): gnomAD 0.00002 and 0.00003; gnomAD exomes 0.00002 and 0.00005; TOPMed 0.00002; ExAC 0.00003; ESP Exome Variant Server 0.00008; 1000 Genomes Project 30x 0.00016; 1000 Genomes Project 0.00020.
gnomAD v4.1: 78 of 1,614,090 alleles (0.0048%); highest among the groups gnomAD compares: East Asian, 0.0067%; no homozygotes.

Submissions (3):

Labcorp Genetics (formerly Invitae), Labcorp
Classification: Uncertain significance. Last evaluated: 2022-08-22. Review status: criteria provided, single submitter. Criteria: Invitae Variant Classification Sherloc (09022015). Collection method: clinical testing. Allele origin: germline.
Comment: This sequence change replaces arginine, which is basic and polar, with glutamine, which is neutral and polar, at codon 485 of the FKBP10 protein (p.Arg485Gln). This variant is present in population databases (rs144314381, gnomAD 0.01%). This variant has not been reported in the literature in individuals affected with FKBP10-related conditions. ClinVar contains an entry for this variant (Variation ID: 890521). Algorithms developed to predict the effect of missense changes on protein structure and function (SIFT, PolyPhen-2, Align-GVGD) all suggest that this variant is likely to be tolerated. In summary, the available evidence is currently insufficient to determine the role of this variant in disease. Therefore, it has been classified as a Variant of Uncertain Significance.

Illumina Laboratory Services, Illumina
Classification: Uncertain significance for Osteogenesis imperfecta type 11. Last evaluated: 2018-01-13. Review status: criteria provided, single submitter. Criteria: ICSL Variant Classification Criteria 13 December 2019. Collection method: clinical testing. Allele origin: germline.

Breakthrough Genomics
Classification: Uncertain significance. Review status: criteria provided, single submitter. Criteria: ACMG Guidelines, 2015. Collection method: not provided. Allele origin: germline. Inheritance: Autosomal recessive inheritance. Affected: yes.

NM_021939.4(FKBP10):c.1454G>A (p.Arg485Gln)

Gene: FKBP10 (FKBP prolyl isomerase 10; plus strand). Cytogenetic location: 17q21.2.
Variant type: single nucleotide variant.
Coding change: c.1454G>A on transcript NM_021939.4 (MANE Select); coding-DNA position 1454, G replaced by A.
Protein change: p.Arg485Gln; replaces arginine 485 with glutamine.
Molecular consequence: missense variant.
Genome position (GRCh38, 1-based): chr17:41,821,708, G>A. VCF-style: chr17-41821708-G-A. GRCh37 (hg19) VCF-style: chr17-39977960-G-A.
Other names: short protein forms R485Q.
Identifiers: ClinVar variation 890521 (VCV000890521.6), dbSNP rs144314381, ClinGen allele CA8566659.